The following is an entry in ClinVar:

ClinVar aggregate classification (germline): Uncertain significance (1 of 4 stars; one submission).

Submission:

Labcorp Genetics (formerly Invitae), Labcorp
Classification: Uncertain significance. Last evaluated: 2022-11-01. Review status: criteria provided, single submitter. Criteria: Invitae Variant Classification Sherloc (09022015). Collection method: clinical testing. Allele origin: germline.
Comment: This variant has not been reported in the literature in individuals affected with USH2A-related conditions. In summary, the available evidence is currently insufficient to determine the role of this variant in disease. Therefore, it has been classified as a Variant of Uncertain Significance. Algorithms developed to predict the effect of missense changes on protein structure and function (SIFT, PolyPhen-2, Align-GVGD) all suggest that this variant is likely to be disruptive. ClinVar contains an entry for this variant (Variation ID: 1367310). This variant is not present in population databases (gnomAD no frequency). This sequence change replaces isoleucine, which is neutral and non-polar, with lysine, which is basic and polar, at codon 3844 of the USH2A protein (p.Ile3844Lys).

NM_206933.4(USH2A):c.11531T>A (p.Ile3844Lys)

Gene: USH2A (usherin; minus strand). Cytogenetic location: 1q41.
Variant type: single nucleotide variant.
Coding change: c.11531T>A on transcript NM_206933.4 (MANE Select); coding-DNA position 11531, T replaced by A.
Protein change: p.Ile3844Lys; replaces isoleucine 3844 with lysine.
Molecular consequence: missense variant.
Genome position (GRCh38, 1-based): chr1:215,743,194, A>T on the plus strand (T>A on the coding strand, the complement: USH2A is on the minus strand). VCF-style: chr1-215743194-A-T. GRCh37 (hg19) VCF-style: chr1-215916536-A-T.
Other names: short protein forms I3844K.
Identifiers: ClinVar variation 1367310 (VCV001367310.8), dbSNP rs1210976361, ClinGen allele CA344834574.